The following is an entry in ClinVar:

NM_004260.4(RECQL4):c.1574G>C (p.Cys525Ser)

Gene: RECQL4 (RecQ like helicase 4; minus strand). Cytogenetic location: 8q24.3.
Variant type: single nucleotide variant.
Coding change: c.1574G>C on transcript NM_004260.4 (MANE Select); coding-DNA position 1574, G replaced by C.
Protein change: p.Cys525Ser; replaces cysteine 525 with serine.
Molecular consequence: missense variant.
Genome position (GRCh38, 1-based): chr8:144,514,982, C>G on the plus strand (G>C on the coding strand, the complement: RECQL4 is on the minus strand). VCF-style: chr8-144514982-C-G. GRCh37 (hg19) VCF-style: chr8-145740366-C-G.
Other names: short protein forms C525S.
Identifiers: ClinVar variation 1392836 (VCV001392836.6), dbSNP rs2130703120, ClinGen allele CA372683663.

ClinVar aggregate classification (germline): Uncertain significance (1 of 4 stars; one submission).

Conditions:
Baller-Gerold syndrome (BGS). Also called: CRANIOSYNOSTOSIS WITH RADIAL DEFECTS. Identifiers: Orphanet 1225, MedGen C0265308, MONDO:0009039, OMIM 218600.

Submission:

Labcorp Genetics (formerly Invitae), Labcorp
Classification: Uncertain significance for Baller-Gerold syndrome. Last evaluated: 2021-11-12. Review status: criteria provided, single submitter. Criteria: Invitae Variant Classification Sherloc (09022015). Collection method: clinical testing. Allele origin: germline.
Comment: This variant has not been reported in the literature in individuals affected with RECQL4-related conditions. In summary, the available evidence is currently insufficient to determine the role of this variant in disease. Therefore, it has been classified as a Variant of Uncertain Significance. Experimental studies and prediction algorithms are not available or were not evaluated, and the functional significance of this variant is currently unknown. This variant is not present in population databases (gnomAD no frequency). This sequence change replaces cysteine, which is neutral and slightly polar, with serine, which is neutral and polar, at codon 525 of the RECQL4 protein (p.Cys525Ser).